The following is an entry in ClinVar:

ClinVar aggregate classification (germline): Uncertain significance (1 of 4 stars; one submission).

Conditions:
Catecholaminergic polymorphic ventricular tachycardia 1. Also called: VENTRICULAR TACHYCARDIA, STRESS-INDUCED POLYMORPHIC 1; RYR2-Related Catecholaminergic Polymorphic Ventricular Tachycardia; VENTRICULAR TACHYCARDIA, CATECHOLAMINERGIC POLYMORPHIC, 1, WITH OR WITHOUT ATRIAL DYSFUNCTION AND/OR DILATED CARDIOMYOPATHY. Identifiers: Orphanet 3286, MedGen C1631597, MONDO:0011484, OMIM 604772.

gnomAD v4.1: 5 of 1,610,300 alleles (0.00031%); highest among the groups gnomAD compares: African/African-American, 0.004%; no homozygotes.

Submission:

Labcorp Genetics (formerly Invitae), Labcorp
Classification: Uncertain significance for Catecholaminergic polymorphic ventricular tachycardia 1. Last evaluated: 2022-03-05. Review status: criteria provided, single submitter. Criteria: Invitae Variant Classification Sherloc (09022015). Collection method: clinical testing. Allele origin: germline.
Comment: This sequence change replaces tyrosine, which is neutral and polar, with phenylalanine, which is neutral and non-polar, at codon 2932 of the RYR2 protein (p.Tyr2932Phe). This variant is not present in population databases (gnomAD no frequency). This variant has not been reported in the literature in individuals affected with RYR2-related conditions. Advanced modeling of protein sequence and biophysical properties (such as structural, functional, and spatial information, amino acid conservation, physicochemical variation, residue mobility, and thermodynamic stability) performed at Invitae indicates that this missense variant is expected to disrupt RYR2 protein function. In summary, the available evidence is currently insufficient to determine the role of this variant in disease. Therefore, it has been classified as a Variant of Uncertain Significance.

NM_001035.3(RYR2):c.8795A>T (p.Tyr2932Phe)

Gene: RYR2 (ryanodine receptor 2; plus strand). Cytogenetic location: 1q43.
Variant type: single nucleotide variant.
Coding change: c.8795A>T on transcript NM_001035.3 (MANE Select); coding-DNA position 8795, A replaced by T.
Protein change: p.Tyr2932Phe; replaces tyrosine 2932 with phenylalanine.
Molecular consequence: missense variant.
Genome position (GRCh38, 1-based): chr1:237,674,811, A>T. VCF-style: chr1-237674811-A-T. GRCh37 (hg19) VCF-style: chr1-237838111-A-T.
Other names: short protein forms Y2932F.
Identifiers: ClinVar variation 2164999 (VCV002164999.1), dbSNP rs2547218585, ClinGen allele CA345403365.
Genomic context (GRCh38, chr1:237,674,811, plus strand): 5'-TGGACACGCCTTCTATTGAGAAACGATTTGCCTATAGTTTCCTCCAACAACTCATTCGCT[A>T]TGTGGATGAAGCCCATCAGTATATCCTGGAGTTTGGTAGGTACCATAGTCCCATTGCTAA-3'
Protein context (NP_001026.2, residues 2922-2942): AYSFLQQLIR[Tyr2932Phe]VDEAHQYILE